The following is an entry in ClinVar:

NM_006231.4(POLE):c.692G>C (p.Arg231Pro)

Gene: POLE (DNA polymerase epsilon, catalytic subunit; minus strand). Cytogenetic location: 12q24.33.
Variant type: single nucleotide variant.
Coding change: c.692G>C on transcript NM_006231.4 (MANE Select); coding-DNA position 692, G replaced by C.
Protein change: p.Arg231Pro; replaces arginine 231 with proline.
Molecular consequence: missense variant.
Genome position (GRCh38, 1-based): chr12:132,677,606, C>G on the plus strand (G>C on the coding strand, the complement: POLE is on the minus strand). VCF-style: chr12-132677606-C-G. GRCh37 (hg19) VCF-style: chr12-133254192-C-G.
Other names: short protein forms R231P.
Identifiers: ClinVar variation 3935735 (VCV003935735.1).

ClinVar aggregate classification (germline): Uncertain significance (1 of 4 stars; one submission).

Conditions:
Hereditary cancer-predisposing syndrome. Also called: Tumor predisposition; Hereditary neoplastic syndrome; Hereditary Cancer Syndrome; Neoplastic Syndromes, Hereditary. Identifiers: Orphanet 140162, MedGen C0027672, MeSH D009386, MONDO:0015356.

Submission:

Ambry Genetics
Classification: Uncertain significance for Hereditary cancer-predisposing syndrome. Last evaluated: 2025-05-07. Review status: criteria provided, single submitter. Criteria: Ambry Variant Classification Scheme 2023. Collection method: clinical testing. Allele origin: germline.
Comment: The p.R231P variant (also known as c.692G>C), located in coding exon 7 of the POLE gene, results from a G to C substitution at nucleotide position 692. The arginine at codon 231 is replaced by proline, an amino acid with dissimilar properties. This amino acid position is highly conserved in available vertebrate species. In addition, this alteration is predicted to be deleterious by in silico analysis. Based on the available evidence, the clinical significance of this variant remains unclear.